The following is an entry in ClinVar:

NM_001366385.1(CARD14):c.1855G>T (p.Asp619Tyr)

Genes: CARD14 (caspase recruitment domain family member 14; plus strand), SGSH (N-sulfoglucosamine sulfohydrolase; minus strand). Cytogenetic location: 17q25.3.
Variant type: single nucleotide variant.
Coding change: c.1855G>T on transcript NM_001366385.1 (MANE Select); coding-DNA position 1855, G replaced by T.
Protein change: p.Asp619Tyr; replaces aspartic acid 619 with tyrosine.
Molecular consequence: missense variant. On other transcripts: non-coding transcript variant (1).
Genome position (GRCh38, 1-based): chr17:80,201,747, G>T. VCF-style: chr17-80201747-G-T. GRCh37 (hg19) VCF-style: chr17-78175546-G-T.
Other names: c.1855G>T, p.Asp619Tyr (NM_001257970.1, NM_024110.4); short protein forms D619Y.
Identifiers: ClinVar variation 1924267 (VCV001924267.5), dbSNP rs748831841, ClinGen allele CA401352273.

ClinVar aggregate classification (germline): Uncertain significance (1 of 4 stars; one submission).

Conditions:
Psoriasis 2. Identifiers: MedGen C1864497, MONDO:0011269, OMIM 602723.
Pityriasis rubra pilaris (PRP). Also called: Pityriasis rubra pilaris--familial type. Identifiers: Orphanet 2897, MedGen C0032027, MONDO:0100017, OMIM 173200, MONDO:0008251.

Submission:

Labcorp Genetics (formerly Invitae), Labcorp
Classification: Uncertain significance for Pityriasis rubra pilaris; Psoriasis 2. Last evaluated: 2022-02-03. Review status: criteria provided, single submitter. Criteria: Invitae Variant Classification Sherloc (09022015). Collection method: clinical testing. Allele origin: germline.
Comment: This variant has not been reported in the literature in individuals affected with CARD14-related conditions. This variant is not present in population databases (gnomAD no frequency). This sequence change replaces aspartic acid, which is acidic and polar, with tyrosine, which is neutral and polar, at codon 619 of the CARD14 protein (p.Asp619Tyr). Algorithms developed to predict the effect of missense changes on protein structure and function are either unavailable or do not agree on the potential impact of this missense change (SIFT: "Deleterious"; PolyPhen-2: "Probably Damaging"; Align-GVGD: "Class C0"). In summary, the available evidence is currently insufficient to determine the role of this variant in disease. Therefore, it has been classified as a Variant of Uncertain Significance.